The following is an entry in ClinVar:

NM_001123385.2(BCOR):c.52G>A (p.Glu18Lys)

Gene: BCOR (BCL6 corepressor; minus strand). Cytogenetic location: Xp11.4.
Variant type: single nucleotide variant.
Coding change: c.52G>A on transcript NM_001123385.2 (MANE Select); coding-DNA position 52, G replaced by A.
Protein change: p.Glu18Lys; replaces glutamic acid 18 with lysine.
Molecular consequence: missense variant.
Genome position (GRCh38, 1-based): chrX:40,077,878, C>T on the plus strand (G>A on the coding strand, the complement: BCOR is on the minus strand). VCF-style: chrX-40077878-C-T. GRCh37 (hg19) VCF-style: chrX-39937131-C-T.
Other names: c.52G>A, p.Glu18Lys (NM_001123383.2, NM_001123384.2, NM_017745.6); short protein forms E18K.
Identifiers: ClinVar variation 3392634 (VCV003392634.1).
Genomic context (GRCh38, chrX:40,077,878, plus strand): 5'-GGCCCGGCCCAGATGGGCGCATTCACCTGTCTTCGCTCGCCCCACACATGCGGACCCTCT[C>T]GCTGTTCATCCAGCTGTGAACGTTCCCATACAGGGGGGTTGCTGAGAGCATGTCGTCTTC-3'
Protein context (NP_001116857.1, residues 8-28): YGNVHSWMNS[Glu18Lys]RVRMCGASED

ClinVar aggregate classification (germline): Uncertain significance (1 of 4 stars; one submission).

Submission:

GeneDx
Classification: Uncertain significance. Last evaluated: 2024-06-26. Review status: criteria provided, single submitter. Criteria: GeneDx Variant Classification Process June 2021. Collection method: clinical testing. Allele origin: germline. Affected: yes.
Comment: Not observed at significant frequency in large population cohorts (gnomAD); In silico analysis supports that this missense variant has a deleterious effect on protein structure/function; Has not been previously published as pathogenic or benign to our knowledge